The following is an entry in ClinVar:

ClinVar aggregate classification (germline): Uncertain significance (1 of 4 stars; one submission).

Conditions:
BMP1-related disorder. Also called: BMP1-related condition.

Allele frequency attached by ClinVar (database versions not stated): gnomAD exomes below 0.00001.
gnomAD v4.1: 4 of 1,613,256 alleles (0.00025%); highest among the groups gnomAD compares: East Asian, 0.0067%; no homozygotes.

Submission:

PreventionGenetics, part of Exact Sciences
Classification: Uncertain significance for BMP1-related condition. Last evaluated: 2023-02-15. Review status: criteria provided, single submitter. Criteria: ACMG Guidelines, 2015. Collection method: clinical testing. Allele origin: germline.
Comment: The BMP1 c.1171C>T variant is predicted to result in the amino acid substitution p.Pro391Ser. To our knowledge, this variant has not been reported in the literature. This variant is reported in 0.015% of alleles in individuals of East Asian descent in gnomAD. At this time, the clinical significance of this variant is uncertain due to the absence of conclusive functional and genetic evidence.

NM_006129.5(BMP1):c.1171C>T (p.Pro391Ser)

Gene: BMP1 (bone morphogenetic protein 1; plus strand). Cytogenetic location: 8p21.3.
Variant type: single nucleotide variant.
Coding change: c.1171C>T on transcript NM_006129.5 (MANE Select); coding-DNA position 1171, C replaced by T.
Protein change: p.Pro391Ser; replaces proline 391 with serine.
Molecular consequence: missense variant. On other transcripts: non-coding transcript variant (2).
Genome position (GRCh38, 1-based): chr8:22,192,142, C>T. VCF-style: chr8-22192142-C-T. GRCh37 (hg19) VCF-style: chr8-22049655-C-T.
Other names: c.1171C>T, p.Pro391Ser (NM_001199.4); short protein forms P391S.
Identifiers: ClinVar variation 2630560 (VCV002630560.1), dbSNP rs550032501, ClinGen allele CA4664570.
Genomic context (GRCh38, chr8:22,192,142, plus strand): 5'-CGCAGCCGCCTGTGCTGGTACGACTATGTGGAGGTCCGAGATGGCTTCTGGAGGAAGGCG[C>T]CCCTCCGAGGTAACGGCACCAGCCACCCCCTGCCCCCTCCATGCTGATTCCCTCTCTGAG-3'
Protein context (NP_006120.1, residues 381-401): EVRDGFWRKA[Pro391Ser]LRGRFCGSKL